The following is an entry in ClinVar:

ClinVar aggregate classification (germline): Uncertain significance (1 of 4 stars; one submission).

Allele frequency attached by ClinVar (database versions not stated): TOPMed below 0.00001; gnomAD 0.00001.
gnomAD v4.1: 29 of 1,530,748 alleles (0.0019%); highest among the groups gnomAD compares: Admixed American, 0.0081%; no homozygotes.

Submission:

Labcorp Genetics (formerly Invitae), Labcorp
Classification: Uncertain significance. Last evaluated: 2022-08-23. Review status: criteria provided, single submitter. Criteria: Invitae Variant Classification Sherloc (09022015). Collection method: clinical testing. Allele origin: germline.
Comment: This sequence change replaces glycine, which is neutral and non-polar, with alanine, which is neutral and non-polar, at codon 746 of the APC2 protein (p.Gly746Ala). This variant is present in population databases (no rsID available, gnomAD 0.009%). This variant has not been reported in the literature in individuals affected with APC2-related conditions. Algorithms developed to predict the effect of missense changes on protein structure and function output the following: SIFT: "Tolerated"; PolyPhen-2: "Benign"; Align-GVGD: "Class C0". The alanine amino acid residue is found in multiple mammalian species, which suggests that this missense change does not adversely affect protein function. In summary, the available evidence is currently insufficient to determine the role of this variant in disease. Therefore, it has been classified as a Variant of Uncertain Significance.

NM_005883.3(APC2):c.2237G>C (p.Gly746Ala)

Gene: APC2 (APC regulator of WNT signaling pathway 2; plus strand). Cytogenetic location: 19p13.3.
Variant type: single nucleotide variant.
Coding change: c.2237G>C on transcript NM_005883.3 (MANE Select); coding-DNA position 2237, G replaced by C.
Protein change: p.Gly746Ala; replaces glycine 746 with alanine.
Molecular consequence: missense variant.
Genome position (GRCh38, 1-based): chr19:1,465,538, G>C. VCF-style: chr19-1465538-G-C. GRCh37 (hg19) VCF-style: chr19-1465537-G-C.
Other names: c.2234G>C, p.Gly745Ala (NM_001351273.1); short protein forms G746A, G745A.
Identifiers: ClinVar variation 2046148 (VCV002046148.1), dbSNP rs1257236020, ClinGen allele CA403025352.